The following is an entry in ClinVar:

ClinVar aggregate classification (germline): Uncertain significance (1 of 4 stars; one submission).

gnomAD v4.1: 8 of 1,607,282 alleles (0.0005%); highest among the groups gnomAD compares: Non-Finnish European, 0.00068%; no homozygotes.

Submission:

Labcorp Genetics (formerly Invitae), Labcorp
Classification: Uncertain significance. Last evaluated: 2024-05-07. Review status: criteria provided, single submitter. Criteria: Invitae Variant Classification Sherloc (09022015). Collection method: clinical testing. Allele origin: germline.
Comment: This sequence change replaces serine, which is neutral and polar, with phenylalanine, which is neutral and non-polar, at codon 119 of the TNNI3K protein (p.Ser119Phe). This variant is present in population databases (rs201859353, gnomAD 0.0009%). This variant has not been reported in the literature in individuals affected with TNNI3K-related conditions. Advanced modeling of protein sequence and biophysical properties (such as structural, functional, and spatial information, amino acid conservation, physicochemical variation, residue mobility, and thermodynamic stability) performed at Invitae indicates that this missense variant is not expected to disrupt TNNI3K protein function with a negative predictive value of 80%. In summary, the available evidence is currently insufficient to determine the role of this variant in disease. Therefore, it has been classified as a Variant of Uncertain Significance.

NM_015978.3(TNNI3K):c.356C>T (p.Ser119Phe)

Genes: FPGT-TNNI3K (FPGT-TNNI3K readthrough; plus strand), TNNI3K (TNNI3 interacting kinase; plus strand). Cytogenetic location: 1p31.1.
Variant type: single nucleotide variant.
Coding change: c.356C>T on transcript NM_015978.3 (MANE Select); coding-DNA position 356, C replaced by T.
Protein change: p.Ser119Phe; replaces serine 119 with phenylalanine.
Molecular consequence: missense variant.
Genome position (GRCh38, 1-based): chr1:74,271,620, C>T. VCF-style: chr1-74271620-C-T. GRCh37 (hg19) VCF-style: chr1-74737304-C-T.
Other names: c.659C>T, p.Ser220Phe (NM_001112808.3, NM_001199327.2); short protein forms S119F, S220F.
Identifiers: ClinVar variation 3619347 (VCV003619347.2).
Genomic context (GRCh38, chr1:74,271,620, plus strand): 5'-TAGCAGAAAAGTAACACTAAAGATATGTTTCCTTACAGGATAATGCAGAATTGATCACTT[C>T]TCTGCTTCACAGTGGAGCTGATATACAGCAGGTTGGATACGGTGGCCTCACTGCCCTCCA-3'
Protein context (NP_057062.1, residues 109-129): VYKDNAELIT[Ser119Phe]LLHSGADIQQ